The following is an entry in ClinVar:

ClinVar aggregate classification (germline): Pathogenic (1 of 4 stars; one submission).

Submission:

Labcorp Genetics (formerly Invitae), Labcorp
Classification: Pathogenic. Last evaluated: 2025-01-27. Review status: criteria provided, single submitter. Criteria: Invitae Variant Classification Sherloc (09022015). Collection method: clinical testing. Allele origin: germline.
Comment: This sequence change affects an acceptor splice site in intron 38 of the POLE gene. RNA analysis indicates that disruption of this splice site induces altered splicing and may result in an absent or altered protein product. This variant is not present in population databases (gnomAD no frequency). This variant has not been reported in the literature in individuals affected with POLE-related conditions. ClinVar contains an entry for this variant (Variation ID: 578973). Studies have shown that disruption of this splice site results in skipping of exon 39, and produces a non-functional protein and/or introduces a premature termination codon (internal data). For these reasons, this variant has been classified as Pathogenic.

NM_006231.4(POLE):c.5174-2A>C

Gene: POLE (DNA polymerase epsilon, catalytic subunit; minus strand). Cytogenetic location: 12q24.33.
Variant type: single nucleotide variant.
Coding change: c.5174-2A>C on transcript NM_006231.4 (MANE Select); the canonical splice acceptor site of the intron before coding-DNA position 5174, A replaced by C.
Molecular consequence: splice acceptor variant.
Genome position (GRCh38, 1-based): chr12:132,641,853, T>G on the plus strand (A>C on the coding strand, the complement: POLE is on the minus strand). VCF-style: chr12-132641853-T-G. GRCh37 (hg19) VCF-style: chr12-133218439-T-G.
Identifiers: ClinVar variation 578973 (VCV000578973.7), dbSNP rs1036643774, ClinGen allele CA387376556.